The following is an entry in ClinVar:

NM_207122.2(EXT2):c.698A>G (p.Tyr233Cys)

Gene: EXT2 (exostosin glycosyltransferase 2; plus strand). Cytogenetic location: 11p11.2.
Variant type: single nucleotide variant.
Coding change: c.698A>G on transcript NM_207122.2 (MANE Select); coding-DNA position 698, A replaced by G.
Protein change: p.Tyr233Cys; replaces tyrosine 233 with cysteine.
Molecular consequence: missense variant.
Genome position (GRCh38, 1-based): chr11:44,114,256, A>G. VCF-style: chr11-44114256-A-G. GRCh37 (hg19) VCF-style: chr11-44135806-A-G.
Other names: c.797A>G, p.Tyr266Cys (NM_000401.3); c.698A>G, p.Tyr233Cys (NM_001178083.3, NM_001389628.1, NM_001389630.1); c.698A>G (NM_207122.1); short protein forms Y233C, Y266C.
Identifiers: ClinVar variation 288165 (VCV000288165.14), dbSNP rs146316660, ClinGen allele CA5954976.

ClinVar aggregate classification (germline): Uncertain significance. Review status: criteria provided, multiple submitters, no conflicts (2 of 4 stars). 4 submissions from 4 submitters: Uncertain significance (4). Last evaluated 2024-11-09.

Conditions:
Seizures-scoliosis-macrocephaly syndrome. Also called: SEIZURES, SCOLIOSIS, AND MACROCEPHALY/MICROCEPHALY SYNDROME; Seizures, scoliosis, and macrocephaly syndrome. Identifiers: Orphanet 466926, MedGen C4225248, MONDO:0014731, OMIM 616682.
Exostoses, multiple, type 2 (EXT2). Also called: EXOSTOSES, MULTIPLE, TYPE II; Hereditary Multiple Osteochondromatosis, Type II. Identifiers: Orphanet 321, MedGen C1851413, MONDO:0007586, OMIM 133701.
Inborn genetic diseases. Identifiers: MedGen C0950123, MeSH D030342.

Allele frequency attached by ClinVar (database versions not stated): ExAC 0.00002; gnomAD exomes 0.00003 and 0.00007; gnomAD 0.00005; TOPMed 0.00006.
gnomAD v4.1: 122 of 1,614,106 alleles (0.0076%); highest among the groups gnomAD compares: East Asian, 0.0089%; no homozygotes.

Submissions (4):

Ambry Genetics
Classification: Uncertain significance for Inborn genetic diseases. Last evaluated: 2024-11-09. Review status: criteria provided, single submitter. Criteria: Ambry Variant Classification Scheme 2023. Collection method: clinical testing. Allele origin: germline.

Labcorp Genetics (formerly Invitae), Labcorp
Classification: Uncertain significance for Exostoses, multiple, type 2. Last evaluated: 2024-07-23. Review status: criteria provided, single submitter. Criteria: Invitae Variant Classification Sherloc (09022015). Collection method: clinical testing. Allele origin: germline.
Comment: This sequence change replaces tyrosine, which is neutral and polar, with cysteine, which is neutral and slightly polar, at codon 233 of the EXT2 protein (p.Tyr233Cys). This variant is present in population databases (rs146316660, gnomAD 0.01%). This variant has not been reported in the literature in individuals affected with EXT2-related conditions. ClinVar contains an entry for this variant (Variation ID: 288165). Advanced modeling of protein sequence and biophysical properties (such as structural, functional, and spatial information, amino acid conservation, physicochemical variation, residue mobility, and thermodynamic stability) performed at Invitae indicates that this missense variant is expected to disrupt EXT2 protein function with a positive predictive value of 80%. In summary, the available evidence is currently insufficient to determine the role of this variant in disease. Therefore, it has been classified as a Variant of Uncertain Significance.

Fulgent Genetics
Classification: Uncertain significance for Exostoses, multiple, type 2; Seizures-scoliosis-macrocephaly syndrome. Last evaluated: 2021-12-28. Review status: criteria provided, single submitter. Criteria: ACMG Guidelines, 2015. Collection method: clinical testing. Allele origin: unknown.

Eurofins Ntd Llc (ga)
Classification: Uncertain significance. Last evaluated: 2016-07-01. Review status: criteria provided, single submitter. Criteria: EGL Classification Definitions 2015. Collection method: clinical testing. Allele origin: germline. Observed: 1 variant allele, 1 heterozygote.